The following is an entry in ClinVar:

ClinVar aggregate classification (germline): Benign/Likely benign. Review status: criteria provided, multiple submitters, no conflicts (2 of 4 stars). 5 submissions from 5 submitters: Benign (1); Likely benign (4). Last evaluated 2026-07-29.

Conditions:
Hereditary cancer-predisposing syndrome. Also called: Hereditary neoplastic syndrome; Neoplastic Syndromes, Hereditary; Tumor predisposition; Hereditary Cancer Syndrome. Identifiers: Orphanet 140162, MedGen C0027672, MeSH D009386, MONDO:0015356.
Hereditary pheochromocytoma and paraganglioma. Also called: Hereditary pheochromocytoma-paraganglioma; Hereditary paragangliomas and pheochromocytomas; Hereditary Paraganglioma-Pheochromocytoma Syndromes. Identifiers: Orphanet 29072, MedGen C4274332, MONDO:0017366.

Allele frequency attached by ClinVar (database versions not stated): TOPMed 0.00004; ExAC 0.00001; gnomAD 0.00002 and 0.00003; gnomAD exomes 0.00003.
gnomAD v4.1: 33 of 1,614,064 alleles (0.002%); highest among the groups gnomAD compares: Middle Eastern, 0.016%; no homozygotes.

Submissions (5):

Myriad Genetics, Inc.
Classification: Benign for Hereditary pheochromocytoma and paraganglioma. Last evaluated: 2026-07-29. Review status: criteria provided, single submitter. Criteria: Myriad Autosomal Dominant, Autosomal Recessive and X-Linked Classification Criteria (2023). Collection method: clinical testing. Allele origin: unknown.
Comment: This variant is considered benign. This variant is a silent/synonymous amino acid change and it is not expected to impact splicing.

Labcorp Genetics (formerly Invitae), Labcorp
Classification: Likely benign for Hereditary pheochromocytoma and paraganglioma. Last evaluated: 2026-01-06. Review status: criteria provided, single submitter. Criteria: Invitae Variant Classification Sherloc (09022015). Collection method: clinical testing. Allele origin: germline.

CeGaT Center for Human Genetics Tuebingen
Classification: Likely benign. Last evaluated: 2024-01-01. Review status: criteria provided, single submitter. Criteria: CeGaT Center For Human Genetics Tuebingen Variant Classification Criteria Version 2. Collection method: clinical testing. Allele origin: germline. Affected: yes. Observed: 3 variant alleles.
Comment: TMEM127: BP4, BP7

Ambry Genetics
Classification: Likely benign for Hereditary cancer-predisposing syndrome. Last evaluated: 2019-11-06. Review status: criteria provided, single submitter. Criteria: Ambry Variant Classification Scheme 2023. Collection method: clinical testing. Allele origin: germline.

GeneDx
Classification: Likely benign. Last evaluated: 2018-04-02. Review status: criteria provided, single submitter. Criteria: GeneDx Variant Classification (06012015). Collection method: clinical testing. Allele origin: germline. Affected: yes.
Comment: This variant is considered likely benign or benign based on one or more of the following criteria: it is a conservative change, it occurs at a poorly conserved position in the protein, it is predicted to be benign by multiple in silico algorithms, and/or has population frequency not consistent with disease.

NM_017849.4(TMEM127):c.267A>G (p.Thr89=)

Gene: TMEM127 (transmembrane protein 127; minus strand). Cytogenetic location: 2q11.2.
Variant type: single nucleotide variant.
Coding change: c.267A>G on transcript NM_017849.4 (MANE Select); coding-DNA position 267, A replaced by G.
Protein change: p.Thr89=; no amino-acid change (threonine 89 retained).
Molecular consequence: synonymous variant.
Genome position (GRCh38, 1-based): chr2:96,254,975, T>C on the plus strand (A>G on the coding strand, the complement: TMEM127 is on the minus strand). VCF-style: chr2-96254975-T-C. GRCh37 (hg19) VCF-style: chr2-96920713-T-C.
Other names: c.267A>G, p.Thr89= (NM_001193304.3).
Identifiers: ClinVar variation 681531 (VCV000681531.40), dbSNP rs773384410, ClinGen allele CA1777364.